The following is an entry in ClinVar:

ClinVar aggregate classification (germline): Uncertain significance (1 of 4 stars; one submission).

Conditions:
Cardiomyopathy (CMYO). Also called: Cardiomyopathies. Identifiers: Orphanet 167848, MedGen C0878544, MONDO:0004994, HP:0001638. Inheritance: Various modes of inheritance.

Allele frequency attached by ClinVar (database versions not stated): gnomAD exomes below 0.00001.

Submission:

Color Diagnostics, LLC DBA Color Health
Classification: Uncertain significance for Cardiomyopathy. Last evaluated: 2024-01-02. Review status: criteria provided, single submitter. Criteria: ACMG Guidelines, 2015. Collection method: clinical testing. Allele origin: germline.
Comment: This variant is located in the 5' untranslated region of the PRKAG2 gene. To our knowledge, functional studies have not been reported for this variant. This variant has not been reported in individuals affected with PRKAG2-related disorders in the literature. This variant has been identified in 1/246768 chromosomes in the general population by the Genome Aggregation Database (gnomAD). The available evidence is insufficient to determine the role of this variant in disease conclusively. Therefore, this variant is classified as a Variant of Uncertain Significance.

NM_016203.4(PRKAG2):c.-3G>A

Gene: PRKAG2 (protein kinase AMP-activated non-catalytic subunit gamma 2; minus strand). Cytogenetic location: 7q36.1.
Variant type: single nucleotide variant.
Coding change: c.-3G>A on transcript NM_016203.4 (MANE Select); 3 bases upstream of the start codon, G replaced by A.
Molecular consequence: 5 prime UTR variant.
Genome position (GRCh38, 1-based): chr7:151,876,623, C>T on the plus strand (G>A on the coding strand, the complement: PRKAG2 is on the minus strand). VCF-style: chr7-151876623-C-T. GRCh37 (hg19) VCF-style: chr7-151573708-C-T.
Other names: c.-3G>A (NM_001407021.1, NM_001407022.1, NM_001407023.1 and 2 more transcripts).
Identifiers: ClinVar variation 2774176 (VCV002774176.2), dbSNP rs1489158099, ClinGen allele CA578750083.